The following is an entry in ClinVar:

NM_001457.4(FLNB):c.6711G>T (p.Glu2237Asp)

Gene: FLNB (filamin B; plus strand). Cytogenetic location: 3p14.3.
Variant type: single nucleotide variant.
Coding change: c.6711G>T on transcript NM_001457.4 (MANE Select); coding-DNA position 6711, G replaced by T.
Protein change: p.Glu2237Asp; replaces glutamic acid 2237 with aspartic acid.
Molecular consequence: missense variant.
Genome position (GRCh38, 1-based): chr3:58,154,867, G>T. VCF-style: chr3-58154867-G-T. GRCh37 (hg19) VCF-style: chr3-58140594-G-T.
Other names: c.6804G>T, p.Glu2268Asp (NM_001164317.2); c.6678G>T, p.Glu2226Asp (NM_001164318.2); c.6639G>T, p.Glu2213Asp (NM_001164319.2); short protein forms E2226D, E2213D, E2268D, E2237D.
Identifiers: ClinVar variation 2108220 (VCV002108220.4), dbSNP rs747029394, ClinGen allele CA2469469.

ClinVar aggregate classification (germline): Uncertain significance (1 of 4 stars; one submission).

Allele frequency attached by ClinVar (database versions not stated): TOPMed 0.00001; ExAC 0.00001.
gnomAD v4.1: 21 of 1,614,086 alleles (0.0013%); highest among the groups gnomAD compares: Non-Finnish European, 0.0018%; no homozygotes.

Submission:

Labcorp Genetics (formerly Invitae), Labcorp
Classification: Uncertain significance. Last evaluated: 2025-05-05. Review status: criteria provided, single submitter. Criteria: Invitae Variant Classification Sherloc (09022015). Collection method: clinical testing. Allele origin: germline.
Comment: This sequence change replaces glutamic acid, which is acidic and polar, with aspartic acid, which is acidic and polar, at codon 2237 of the FLNB protein (p.Glu2237Asp). This variant is present in population databases (rs747029394, gnomAD 0.0009%). This variant has not been reported in the literature in individuals affected with FLNB-related conditions. ClinVar contains an entry for this variant (Variation ID: 2108220). Invitae Evidence Modeling of protein sequence and biophysical properties (such as structural, functional, and spatial information, amino acid conservation, physicochemical variation, residue mobility, and thermodynamic stability) indicates that this missense variant is not expected to disrupt FLNB protein function with a negative predictive value of 95%. In summary, the available evidence is currently insufficient to determine the role of this variant in disease. Therefore, it has been classified as a Variant of Uncertain Significance.